The following is an entry in ClinVar:

NM_001385012.1(NBEA):c.7078G>A (p.Glu2360Lys)

Gene: NBEA (neurobeachin; plus strand). Cytogenetic location: 13q13.3.
Variant type: single nucleotide variant.
Coding change: c.7078G>A on transcript NM_001385012.1 (MANE Select); coding-DNA position 7078, G replaced by A.
Protein change: p.Glu2360Lys; replaces glutamic acid 2360 with lysine.
Molecular consequence: missense variant.
Genome position (GRCh38, 1-based): chr13:35,583,940, G>A. VCF-style: chr13-35583940-G-A. GRCh37 (hg19) VCF-style: chr13-36158077-G-A.
Other names: c.457G>A, p.Glu153Lys (NM_001204197.3); c.7069G>A, p.Glu2357Lys (NM_001379245.1); c.7078G>A, p.Glu2360Lys (NM_015678.5); short protein forms E153K, E2357K, E2360K.
Identifiers: ClinVar variation 2663372 (VCV002663372.1), dbSNP rs2549803961, ClinGen allele CA387981537.

ClinVar aggregate classification (germline): Uncertain significance (1 of 4 stars; one submission).

Submission:

GeneDx
Classification: Uncertain significance. Last evaluated: 2023-05-11. Review status: criteria provided, single submitter. Criteria: GeneDx Variant Classification Process June 2021. Collection method: clinical testing. Allele origin: germline. Affected: yes.
Comment: Not observed at significant frequency in large population cohorts (gnomAD); In silico analysis supports that this missense variant has a deleterious effect on protein structure/function; Has not been previously published as pathogenic or benign to our knowledge